The following is an entry in ClinVar:

ClinVar aggregate classification (germline): Uncertain significance. Review status: criteria provided, multiple submitters, no conflicts (2 of 4 stars). 2 submissions from 2 submitters: Uncertain significance (2). Last evaluated 2023-05-05.

Conditions:
Microcephaly, normal intelligence and immunodeficiency (NBS). Also called: IMMUNODEFICIENCY, MICROCEPHALY, AND CHROMOSOMAL INSTABILITY; SEEMANOVA SYNDROME II; Nijmegen breakage syndrome; Microcephaly with normal intelligence immunodeficiency and lymphoreticular malignancies; Nonsyndromal microcephaly autosomal recessive with normal intelligence; Seemanova syndrome 2. Identifiers: Orphanet 647, MedGen C0398791, MONDO:0009623, OMIM 251260.
Hereditary cancer-predisposing syndrome. Also called: Neoplastic Syndromes, Hereditary; Tumor predisposition; Hereditary neoplastic syndrome; Hereditary Cancer Syndrome. Identifiers: Orphanet 140162, MedGen C0027672, MeSH D009386, MONDO:0015356.

Submissions (2):

Labcorp Genetics (formerly Invitae), Labcorp
Classification: Uncertain significance for Microcephaly, normal intelligence and immunodeficiency. Last evaluated: 2023-05-05. Review status: criteria provided, single submitter. Criteria: Invitae Variant Classification Sherloc (09022015). Collection method: clinical testing. Allele origin: germline.
Comment: This variant is not present in population databases (gnomAD no frequency). In summary, the available evidence is currently insufficient to determine the role of this variant in disease. Therefore, it has been classified as a Variant of Uncertain Significance. An algorithm developed to predict the effect of missense changes on protein structure and function (PolyPhen-2) suggests that this variant is likely to be disruptive. ClinVar contains an entry for this variant (Variation ID: 1762722). This variant has not been reported in the literature in individuals affected with NBN-related conditions. This sequence change replaces threonine, which is neutral and polar, with isoleucine, which is neutral and non-polar, at codon 276 of the NBN protein (p.Thr276Ile).

Ambry Genetics
Classification: Uncertain significance for Hereditary cancer-predisposing syndrome. Last evaluated: 2020-07-31. Review status: criteria provided, single submitter. Criteria: Ambry Variant Classification Scheme 2023. Collection method: clinical testing. Allele origin: germline.
Comment: The p.T276I variant (also known as c.827C>T), located in coding exon 7 of the NBN gene, results from a C to T substitution at nucleotide position 827. The threonine at codon 276 is replaced by isoleucine, an amino acid with similar properties. This amino acid position is well conserved in available vertebrate species. In addition, this alteration is predicted to be tolerated by in silico analysis. Since supporting evidence is limited at this time, the clinical significance of this alteration remains unclear.

NM_002485.5(NBN):c.827C>T (p.Thr276Ile)

Gene: NBN (nibrin; minus strand). Cytogenetic location: 8q21.3.
Variant type: single nucleotide variant.
Coding change: c.827C>T on transcript NM_002485.5 (MANE Select); coding-DNA position 827, C replaced by T.
Protein change: p.Thr276Ile; replaces threonine 276 with isoleucine.
Molecular consequence: missense variant.
Genome position (GRCh38, 1-based): chr8:89,970,433, G>A on the plus strand (C>T on the coding strand, the complement: NBN is on the minus strand). VCF-style: chr8-89970433-G-A. GRCh37 (hg19) VCF-style: chr8-90982661-G-A.
Other names: c.581C>T, p.Thr194Ile (NM_001024688.3); short protein forms T276I, T194I.
Identifiers: ClinVar variation 1762722 (VCV001762722.5), dbSNP rs864622304, ClinGen allele CA371658513.